The following is an entry in ClinVar:

NM_001903.5(CTNNA1):c.949G>A (p.Ala317Thr)

Gene: CTNNA1 (catenin alpha 1; plus strand). Cytogenetic location: 5q31.2.
Variant type: single nucleotide variant.
Coding change: c.949G>A on transcript NM_001903.5 (MANE Select); coding-DNA position 949, G replaced by A.
Protein change: p.Ala317Thr; replaces alanine 317 with threonine.
Molecular consequence: missense variant.
Genome position (GRCh38, 1-based): chr5:138,827,605, G>A. VCF-style: chr5-138827605-G-A. GRCh37 (hg19) VCF-style: chr5-138163294-G-A.
Other names: c.949G>A (NM_001903.2); c.949G>A, p.Ala317Thr (NM_001290307.3, NM_001323982.2, NM_001323983.1 and 3 more transcripts); c.640G>A, p.Ala214Thr (NM_001290309.3); c.580G>A, p.Ala194Thr (NM_001290310.3); short protein forms A317T, A194T, A214T.
Identifiers: ClinVar variation 2692914 (VCV002692914.4), dbSNP rs2149785723, ClinGen allele CA361130940.

ClinVar aggregate classification (germline): Uncertain significance. Review status: criteria provided, multiple submitters, no conflicts (2 of 4 stars). 2 submissions from 2 submitters: Uncertain significance (2). Last evaluated 2025-07-10.

Conditions:
Hereditary cancer-predisposing syndrome. Also called: Neoplastic Syndromes, Hereditary; Hereditary Cancer Syndrome; Tumor predisposition; Hereditary neoplastic syndrome. Identifiers: Orphanet 140162, MedGen C0027672, MeSH D009386, MONDO:0015356.

Submissions (2):

Ambry Genetics
Classification: Uncertain significance for Hereditary cancer-predisposing syndrome. Last evaluated: 2025-07-10. Review status: criteria provided, single submitter. Criteria: Ambry Variant Classification Scheme 2023. Collection method: clinical testing. Allele origin: germline.
Comment: The p.A317T variant (also known as c.949G>A), located in coding exon 6 of the CTNNA1 gene, results from a G to A substitution at nucleotide position 949. The alanine at codon 317 is replaced by threonine, an amino acid with similar properties. This amino acid position is conserved. In addition, the in silico prediction for this alteration is inconclusive. Based on the available evidence, the clinical significance of this variant remains unclear.

Labcorp Genetics (formerly Invitae), Labcorp
Classification: Uncertain significance. Last evaluated: 2023-11-03. Review status: criteria provided, single submitter. Criteria: Invitae Variant Classification Sherloc (09022015). Collection method: clinical testing. Allele origin: germline.
Comment: This sequence change replaces alanine, which is neutral and non-polar, with threonine, which is neutral and polar, at codon 317 of the CTNNA1 protein (p.Ala317Thr). This variant is not present in population databases (gnomAD no frequency). This variant has not been reported in the literature in individuals affected with CTNNA1-related conditions. Advanced modeling of protein sequence and biophysical properties (such as structural, functional, and spatial information, amino acid conservation, physicochemical variation, residue mobility, and thermodynamic stability) has been performed at Invitae for this missense variant, however the output from this modeling did not meet the statistical confidence thresholds required to predict the impact of this variant on CTNNA1 protein function. In summary, the available evidence is currently insufficient to determine the role of this variant in disease. Therefore, it has been classified as a Variant of Uncertain Significance.